The following is an entry in ClinVar:

ClinVar aggregate classification (germline): Uncertain significance (1 of 4 stars; one submission).

Conditions:
Autosomal dominant limb-girdle muscular dystrophy type 1F (LGMDD2). Also called: Limb-girdle muscular dystrophy, type 1F; MUSCULAR DYSTROPHY, LIMB-GIRDLE, AUTOSOMAL DOMINANT 2. Identifiers: Orphanet 55595, MedGen C1842062, MONDO:0012034, OMIM 608423.

Submission:

Labcorp Genetics (formerly Invitae), Labcorp
Classification: Uncertain significance for Autosomal dominant limb-girdle muscular dystrophy type 1F. Last evaluated: 2023-11-24. Review status: criteria provided, single submitter. Criteria: Invitae Variant Classification Sherloc (09022015). Collection method: clinical testing. Allele origin: germline.
Comment: This sequence change replaces isoleucine, which is neutral and non-polar, with methionine, which is neutral and non-polar, at codon 760 of the TNPO3 protein (p.Ile760Met). This variant is not present in population databases (gnomAD no frequency). This variant has not been reported in the literature in individuals affected with TNPO3-related conditions. Advanced modeling of protein sequence and biophysical properties (such as structural, functional, and spatial information, amino acid conservation, physicochemical variation, residue mobility, and thermodynamic stability) performed at Invitae indicates that this missense variant is not expected to disrupt TNPO3 protein function with a negative predictive value of 80%. In summary, the available evidence is currently insufficient to determine the role of this variant in disease. Therefore, it has been classified as a Variant of Uncertain Significance.

NM_012470.4(TNPO3):c.2280T>G (p.Ile760Met)

Gene: TNPO3 (transportin 3; minus strand). Cytogenetic location: 7q32.1.
Variant type: single nucleotide variant.
Coding change: c.2280T>G on transcript NM_012470.4 (MANE Select); coding-DNA position 2280, T replaced by G.
Protein change: p.Ile760Met; replaces isoleucine 760 with methionine.
Molecular consequence: missense variant. On other transcripts: non-coding transcript variant (18).
Genome position (GRCh38, 1-based): chr7:128,972,576, A>C on the plus strand (T>G on the coding strand, the complement: TNPO3 is on the minus strand). VCF-style: chr7-128972576-A-C. GRCh37 (hg19) VCF-style: chr7-128612630-A-C.
Other names: c.2088T>G, p.Ile696Met (NM_001191028.3, NM_001382223.1); c.2382T>G, p.Ile794Met (NM_001382216.1); c.2361T>G, p.Ile787Met (NM_001382217.1); c.2280T>G, p.Ile760Met (NM_001382218.1); c.2172T>G, p.Ile724Met (NM_001382219.1); c.2139T>G, p.Ile713Met (NM_001382220.1); c.2136T>G, p.Ile712Met (NM_001382221.1); c.2133T>G, p.Ile711Met (NM_001382222.1); short protein forms I711M, I794M, I724M, I696M, I713M, I787M, I712M, I760M.
Identifiers: ClinVar variation 2698753 (VCV002698753.3), dbSNP rs142359170, ClinGen allele CA369252687.